The following is an entry in ClinVar:

NM_021008.4(DEAF1):c.803A>G (p.Gln268Arg)

Gene: DEAF1 (DEAF1 transcription factor; minus strand). Cytogenetic location: 11p15.5.
Variant type: single nucleotide variant.
Coding change: c.803A>G on transcript NM_021008.4 (MANE Select); coding-DNA position 803, A replaced by G.
Protein change: p.Gln268Arg; replaces glutamine 268 with arginine.
Molecular consequence: missense variant. On other transcripts: intron variant (1).
Genome position (GRCh38, 1-based): chr11:686,859, T>C on the plus strand (A>G on the coding strand, the complement: DEAF1 is on the minus strand). VCF-style: chr11-686859-T-C. GRCh37 (hg19) VCF-style: chr11-686859-T-C.
Other names: c.77A>G, p.Gln26Arg (NM_001440886.1, NM_001440887.1, NM_001367390.1 and 1 more transcripts); c.664+1052A>G (NM_001293634.2); c.803A>G, p.Gln268Arg (NM_001440883.1, NM_001440884.1); short protein forms Q268R, Q26R.
Identifiers: ClinVar variation 3500737 (VCV003500737.1).

ClinVar aggregate classification (germline): Uncertain significance (1 of 4 stars; one submission).

Conditions:
Inborn genetic diseases. Identifiers: MedGen C0950123, MeSH D030342.

gnomAD v4.1: 2 of 1,614,168 alleles (0.00012%); highest among the groups gnomAD compares: Non-Finnish European, 0.00017%; no homozygotes.

Submission:

Ambry Genetics
Classification: Uncertain significance for Inborn genetic diseases. Last evaluated: 2024-10-30. Review status: criteria provided, single submitter. Criteria: Ambry Variant Classification Scheme 2023. Collection method: clinical testing. Allele origin: germline.
Comment: The c.803A>G (p.Q268R) alteration is located in exon 5 (coding exon 5) of the DEAF1 gene. This alteration results from a A to G substitution at nucleotide position 803, causing the glutamine (Q) at amino acid position 268 to be replaced by an arginine (R). This variant was not reported in population-based cohorts in the Genome Aggregation Database (gnomAD). This amino acid position is well conserved in available vertebrate species. The in silico prediction for this alteration is inconclusive. Based on insufficient or conflicting evidence, the clinical significance of this alteration remains unclear.